The following is an entry in ClinVar:

ClinVar aggregate classification (germline): Likely benign (0 of 4 stars; one submission).

Conditions:
BIRC6-related disorder. Also called: BIRC6-related condition.

Allele frequency attached by ClinVar (database versions not stated): ExAC 0.00027; ESP Exome Variant Server 0.00069.
gnomAD v4.1: 1,345 of 1,599,424 alleles (0.084%); highest among the groups gnomAD compares: Non-Finnish European, 0.11%; no homozygotes.

Submission:

PreventionGenetics, part of Exact Sciences
Classification: Likely benign for BIRC6-related condition. Last evaluated: 2019-10-28. Review status: no assertion criteria provided. Collection method: clinical testing. Allele origin: germline.
Comment: This variant is classified as likely benign based on ACMG/AMP sequence variant interpretation guidelines (Richards et al. 2015 PMID: 25741868, with internal and published modifications).

NM_016252.4(BIRC6):c.13993-6C>T

Gene: BIRC6 (baculoviral IAP repeat containing 6; plus strand). Cytogenetic location: 2p22.3.
Variant type: single nucleotide variant.
Coding change: c.13993-6C>T on transcript NM_016252.4 (MANE Select); 6 bases into the intron before coding-DNA position 13993, C replaced by T.
Molecular consequence: intron variant.
Genome position (GRCh38, 1-based): chr2:32,603,000, C>T. VCF-style: chr2-32603000-C-T. GRCh37 (hg19) VCF-style: chr2-32828067-C-T.
Other names: c.13990-6C>T (NM_001378125.1).
Identifiers: ClinVar variation 3041148 (VCV003041148.2), dbSNP rs373113978, ClinGen allele CA1605672.
Genomic context (GRCh38, chr2:32,603,000, plus strand): 5'-TCGTTATGACAGTTTGTTTTTAAGCACTCTTTTTTCAATTCTGTTTATGCTTTTTTCGTT[C>T]GTCAGGTTTGTTTAAGCATCTTAAACACGTGGCATGGAAGACCAGAAGAGAAGTGGAATC-3'